The following is an entry in ClinVar:

ClinVar aggregate classification (germline): Conflicting classifications of pathogenicity. Review status: criteria provided, conflicting classifications (1 of 4 stars). 2 submissions from 2 submitters: Uncertain significance (1); Likely benign (1). Last evaluated 2023-11-20.

Allele frequency attached by ClinVar (database versions not stated): gnomAD 0.00001; gnomAD exomes 0.00001; TOPMed 0.00001.

Submissions (2):

Labcorp Genetics (formerly Invitae), Labcorp
Classification: Likely benign. Last evaluated: 2023-11-20. Review status: criteria provided, single submitter. Criteria: Invitae Variant Classification Sherloc (09022015). Collection method: clinical testing. Allele origin: germline.

Laboratory for Molecular Medicine, Mass General Brigham Personalized Medicine
Classification: Uncertain significance. Last evaluated: 2017-12-21. Review status: criteria provided, single submitter. Criteria: LMM Criteria. Collection method: clinical testing. Allele origin: germline. Observed: 1 variant allele.
Comment: Variant classified as Uncertain Significance - Favor Benign. The c.1708-14A>G va riant in SLC26A4 has not been previously reported in individuals with hearing lo ss or in large population studies. This variant is located in the 3' splice regi on. Computational tools do not suggest an impact to splicing. However, this info rmation is not predictive enough to rule out pathogenicity. In summary, while th e clinical significance of the c.1708-14A>G variant is uncertain, these data sug gest that it is more likely to be benign. ACMG/AMP Criteria applied: PM2, BP7.

NM_000441.2(SLC26A4):c.1708-14A>G

Gene: SLC26A4 (solute carrier family 26 member 4; plus strand). Cytogenetic location: 7q22.3.
Variant type: single nucleotide variant.
Coding change: c.1708-14A>G on transcript NM_000441.2 (MANE Select); 14 bases into the intron before coding-DNA position 1708, A replaced by G.
Molecular consequence: intron variant.
Genome position (GRCh38, 1-based): chr7:107,701,087, A>G. VCF-style: chr7-107701087-A-G. GRCh37 (hg19) VCF-style: chr7-107341532-A-G.
Identifiers: ClinVar variation 517641 (VCV000517641.8), dbSNP rs1453109539, ClinGen allele CA658796989.
Genomic context (GRCh38, chr7:107,701,087, plus strand): 5'-TTTCCAGATAACAGTTGCCATTAATAAGCTTTAGGTGCCAGGCATTTTAAGTAACTTGAC[A>G]TTTATTTCCAAAGGTTGGATTTGATGCCATTAGAGTATATAATAAGAGGCTGAAAGCGCT-3'